The following is an entry in ClinVar:

ClinVar aggregate classification (germline): Uncertain significance (1 of 4 stars; one submission).

Submission:

Labcorp Genetics (formerly Invitae), Labcorp
Classification: Uncertain significance. Last evaluated: 2024-08-21. Review status: criteria provided, single submitter. Criteria: Invitae Variant Classification Sherloc (09022015). Collection method: clinical testing. Allele origin: germline.
Comment: This sequence change replaces leucine, which is neutral and non-polar, with phenylalanine, which is neutral and non-polar, at codon 107 of the RCBTB1 protein (p.Leu107Phe). This variant is not present in population databases (gnomAD no frequency). This variant has not been reported in the literature in individuals affected with RCBTB1-related conditions. Invitae Evidence Modeling of protein sequence and biophysical properties (such as structural, functional, and spatial information, amino acid conservation, physicochemical variation, residue mobility, and thermodynamic stability) indicates that this missense variant is expected to disrupt RCBTB1 protein function with a positive predictive value of 80%. In summary, the available evidence is currently insufficient to determine the role of this variant in disease. Therefore, it has been classified as a Variant of Uncertain Significance.

NM_018191.4(RCBTB1):c.319C>T (p.Leu107Phe)

Gene: RCBTB1 (RCC1 and BTB domain containing protein 1; minus strand). Cytogenetic location: 13q14.2.
Variant type: single nucleotide variant.
Coding change: c.319C>T on transcript NM_018191.4 (MANE Select); coding-DNA position 319, C replaced by T.
Protein change: p.Leu107Phe; replaces leucine 107 with phenylalanine.
Molecular consequence: missense variant. On other transcripts: 5 prime UTR variant (1), non-coding transcript variant (2).
Genome position (GRCh38, 1-based): chr13:49,560,043, G>A on the plus strand (C>T on the coding strand, the complement: RCBTB1 is on the minus strand). VCF-style: chr13-49560043-G-A. GRCh37 (hg19) VCF-style: chr13-50134179-G-A.
Other names: c.319C>T, p.Leu107Phe (NM_001352500.2, NM_001352501.2, NM_001352502.2 and 3 more transcripts); c.-291C>T (NM_001352506.2); short protein forms L107F.
Identifiers: ClinVar variation 3671192 (VCV003671192.2).
Genomic context (GRCh38, chr13:49,560,043, plus strand): 5'-TCAAGAGATTGGTACAGACCTGGACGGGAGCAATGCCTTGGTTGGTCGTCCCATTCCCAA[G>A]CTGGCTATATCCATTGTGGCCCCAGGCATAAACCACTCCATCTGTGCACACAAAGCACAC-3'
Protein context (NP_060661.3, residues 97-117): YAWGHNGYSQ[Leu107Phe]GNGTTNQGIA